The following is an entry in ClinVar:

NM_003737.4(DCHS1):c.5842A>G (p.Ile1948Val)

Gene: DCHS1 (dachsous cadherin-related 1; minus strand). Cytogenetic location: 11p15.4.
Variant type: single nucleotide variant.
Coding change: c.5842A>G on transcript NM_003737.4 (MANE Select); coding-DNA position 5842, A replaced by G.
Protein change: p.Ile1948Val; replaces isoleucine 1948 with valine.
Molecular consequence: missense variant.
Genome position (GRCh38, 1-based): chr11:6,627,197, T>C on the plus strand (A>G on the coding strand, the complement: DCHS1 is on the minus strand). VCF-style: chr11-6627197-T-C. GRCh37 (hg19) VCF-style: chr11-6648428-T-C.
Other names: short protein forms I1948V.
Identifiers: ClinVar variation 1921519 (VCV001921519.6), dbSNP rs1244998197, ClinGen allele CA379391808.
Genomic context (GRCh38, chr11:6,627,197, plus strand): 5'-GTAGGCGCAGAGGACTGGTGGGGAAGGTGGGTGCATGGTCATTGACATCGCGCACCGTGA[T>C]GGTGACAGACACTGTGGTGCTTAGGGGCCCAGCAGCTGCACCATCCACTGCACTCACAGA-3'
Protein context (NP_003728.1, residues 1938-1958): GPLSTTVSVT[Ile1948Val]TVRDVNDHAP

ClinVar aggregate classification (germline): Uncertain significance. Review status: criteria provided, multiple submitters, no conflicts (2 of 4 stars). 2 submissions from 2 submitters: Uncertain significance (2). Last evaluated 2023-09-13.

Conditions:
Lymphedema. Also called: Lymphoedema. Identifiers: MedGen C0024236, MONDO:0019297, HP:0001004.

Allele frequency attached by ClinVar (database versions not stated): gnomAD exomes below 0.00001; TOPMed 0.00001.
gnomAD v4.1: 2 of 1,613,060 alleles (0.00012%); highest among the groups gnomAD compares: East Asian, 0.0022%; no homozygotes.

Submissions (2):

Clinical Genomics Laboratory, Washington University in St. Louis
Classification: Uncertain significance for Lymphedema. Last evaluated: 2023-09-13. Review status: criteria provided, single submitter. Criteria: ACMG Guidelines, 2015. Collection method: clinical testing. Allele origin: germline.
Comment: The DCHS1 c.5842A>G (p.Ile1948Val) variant was identified at near heterozygous allelic fraction and, to our knowledge, it has not been reported in the medical literature. This variant is absent from the general population (gnomAD v3.1.2), indicating it is not a common variant and it has been reported in the ClinVar database as a variant of uncertain significance by a single submitter (ClinVar ID: 1921519). Computational predictors suggest that the variant does not impact DCHS1 function. Due to limited information, and based on ACMG/AMP guidelines for variant interpretation (Richards S et al., PMID: 25741868), the clinical significance of this variant is uncertain at this time.

Labcorp Genetics (formerly Invitae), Labcorp
Classification: Uncertain significance. Last evaluated: 2022-04-13. Review status: criteria provided, single submitter. Criteria: Invitae Variant Classification Sherloc (09022015). Collection method: clinical testing. Allele origin: germline.
Comment: In summary, the available evidence is currently insufficient to determine the role of this variant in disease. Therefore, it has been classified as a Variant of Uncertain Significance. Advanced modeling of protein sequence and biophysical properties (such as structural, functional, and spatial information, amino acid conservation, physicochemical variation, residue mobility, and thermodynamic stability) performed at Invitae indicates that this missense variant is not expected to disrupt DCHS1 protein function. This variant has not been reported in the literature in individuals affected with DCHS1-related conditions. This variant is not present in population databases (gnomAD no frequency). This sequence change replaces isoleucine, which is neutral and non-polar, with valine, which is neutral and non-polar, at codon 1948 of the DCHS1 protein (p.Ile1948Val).